The following is an entry in ClinVar:

ClinVar aggregate classification (germline): Uncertain significance (1 of 4 stars; one submission).

Allele frequency attached by ClinVar (database versions not stated): gnomAD 0.00001; gnomAD exomes 0.00001; TOPMed 0.00001.
gnomAD v4.1: 15 of 1,551,114 alleles (0.00097%); highest among the groups gnomAD compares: Non-Finnish European, 0.0013%; no homozygotes.

Submission:

Labcorp Genetics (formerly Invitae), Labcorp
Classification: Uncertain significance. Last evaluated: 2023-11-27. Review status: criteria provided, single submitter. Criteria: Invitae Variant Classification Sherloc (09022015). Collection method: clinical testing. Allele origin: germline.
Comment: This sequence change replaces proline, which is neutral and non-polar, with alanine, which is neutral and non-polar, at codon 1351 of the CARMIL2 protein (p.Pro1351Ala). This variant is not present in population databases (gnomAD no frequency). This variant has not been reported in the literature in individuals affected with CARMIL2-related conditions. ClinVar contains an entry for this variant (Variation ID: 1444262). An algorithm developed to predict the effect of missense changes on protein structure and function (PolyPhen-2) suggests that this variant is likely to be disruptive. In summary, the available evidence is currently insufficient to determine the role of this variant in disease. Therefore, it has been classified as a Variant of Uncertain Significance.

NM_001013838.3(CARMIL2):c.4051C>G (p.Pro1351Ala)

Gene: CARMIL2 (capping protein regulator and myosin 1 linker 2; plus strand). Cytogenetic location: 16q22.1.
Variant type: single nucleotide variant.
Coding change: c.4051C>G on transcript NM_001013838.3 (MANE Select); coding-DNA position 4051, C replaced by G.
Protein change: p.Pro1351Ala; replaces proline 1351 with alanine.
Molecular consequence: missense variant. On other transcripts: intron variant (1).
Genome position (GRCh38, 1-based): chr16:67,656,815, C>G. VCF-style: chr16-67656815-C-G. GRCh37 (hg19) VCF-style: chr16-67690718-C-G.
Other names: c.3928+170C>G (NM_001317026.3); short protein forms P1351A.
Identifiers: ClinVar variation 1444262 (VCV001444262.6), dbSNP rs764657890, ClinGen allele CA8114247.